The following is an entry in ClinVar:

NM_001395159.1(UNC79):c.8084T>C (p.Ile2695Thr)

Gene: UNC79 (unc-79 homolog, NALCN channel complex subunit; plus strand). Cytogenetic location: 14q32.12.
Variant type: single nucleotide variant.
Coding change: c.8084T>C on transcript NM_001395159.1 (MANE Select); coding-DNA position 8084, T replaced by C.
Protein change: p.Ile2695Thr; replaces isoleucine 2695 with threonine.
Molecular consequence: missense variant.
Genome position (GRCh38, 1-based): chr14:93,706,864, T>C. VCF-style: chr14-93706864-T-C. GRCh37 (hg19) VCF-style: chr14-94173210-T-C.
Other names: c.8018T>C, p.Ile2673Thr (NM_001346218.2); c.7337T>C, p.Ile2446Thr (NM_020818.5); short protein forms I2446T, I2673T, I2695T.
Identifiers: ClinVar variation 3766322 (VCV003766322.1).

ClinVar aggregate classification (germline): Uncertain significance (1 of 4 stars; one submission).

Submission:

GeneDx
Classification: Uncertain significance. Last evaluated: 2024-08-27. Review status: criteria provided, single submitter. Criteria: GeneDx Variant Classification Process June 2021. Collection method: clinical testing. Allele origin: germline. Affected: yes.
Comment: Not observed at significant frequency in large population cohorts (gnomAD); In silico analysis supports that this missense variant has a deleterious effect on protein structure/function; Has not been previously published as pathogenic or benign to our knowledge